The following is an entry in ClinVar:

ClinVar aggregate classification (germline): Uncertain significance (1 of 4 stars; one submission).

gnomAD v4.1: 16 of 1,608,642 alleles (0.00099%); highest among the groups gnomAD compares: South Asian, 0.017%; no homozygotes.

Submission:

CeGaT Center for Human Genetics Tuebingen
Classification: Uncertain significance. Last evaluated: 2026-02-01. Review status: criteria provided, single submitter. Criteria: CeGaT Center For Human Genetics Tuebingen Variant Classification Criteria Version 2. Collection method: clinical testing. Allele origin: germline. Affected: yes. Observed: 1 variant allele.
Comment: PKD1: PM2, BP4

NM_001009944.3(PKD1):c.3383C>A (p.Ser1128Tyr)

Gene: PKD1 (polycystin 1, transient receptor potential channel interacting; minus strand). Cytogenetic location: 16p13.3.
Variant type: single nucleotide variant.
Coding change: c.3383C>A on transcript NM_001009944.3 (MANE Select); coding-DNA position 3383, C replaced by A.
Protein change: p.Ser1128Tyr; replaces serine 1128 with tyrosine.
Molecular consequence: missense variant.
Genome position (GRCh38, 1-based): chr16:2,111,784, G>T on the plus strand (C>A on the coding strand, the complement: PKD1 is on the minus strand). VCF-style: chr16-2111784-G-T. GRCh37 (hg19) VCF-style: chr16-2161785-G-T.
Other names: c.3383C>A, p.Ser1128Tyr (NM_000296.4); short protein forms S1128Y.
Identifiers: ClinVar variation 4821181 (VCV004821181.4).
Genomic context (GRCh38, chr16:2,111,784, plus strand): 5'-GGGTAGAAGGTGACGGGCCGGCCGGCCACCAGGACGCCGTCACTCACACCCACAGCCACG[G>T]AGGGCAGGGAGGCGCGCACGCTCACAGGCACCTGCTGCGTCAGGTTCTCGAAGGCATTAG-3'
Protein context (NP_001009944.3, residues 1118-1138): VPVSVRASLP[Ser1128Tyr]VAVGVSDGVL